The following is an entry in ClinVar:

NM_002691.4(POLD1):c.1554G>A (p.Leu518=)

Gene: POLD1 (DNA polymerase delta 1, catalytic subunit; plus strand). Cytogenetic location: 19q13.33.
Variant type: single nucleotide variant.
Coding change: c.1554G>A on transcript NM_002691.4 (MANE Select); coding-DNA position 1554, G replaced by A.
Protein change: p.Leu518=; no amino-acid change (leucine 518 retained).
Molecular consequence: synonymous variant. On other transcripts: non-coding transcript variant (1).
Genome position (GRCh38, 1-based): chr19:50,407,042, G>A. VCF-style: chr19-50407042-G-A. GRCh37 (hg19) VCF-style: chr19-50910299-G-A.
Other names: c.1554G>A, p.Leu518= (NM_001256849.1, NM_001308632.1); c.1554G>A (NM_002691.2).
Identifiers: ClinVar variation 1988407 (VCV001988407.6), dbSNP rs2513999892, ClinGen allele CA508183990.
Genomic context (GRCh38, chr19:50,407,042, plus strand): 5'-GAATGGGAACGACCAGACCCGCCGCCGCCTGGCTGTGTACTGCCTGAAGGATGCCTACCT[G>A]CCACTGCGGCTGCTGGAGCGGCTCATGGTGCTGGTGAACGCCGTGGAGATGGCGAGGGTC-3'
Protein context (NP_002682.2, residues 508-528): LAVYCLKDAY[Leu518=]PLRLLERLMV

ClinVar aggregate classification (germline): Benign/Likely benign. Review status: criteria provided, multiple submitters, no conflicts (2 of 4 stars). 3 submissions from 3 submitters: Benign (1); Likely benign (2). Last evaluated 2025-06-05.

Conditions:
POLD1-related polyposis and colorectal cancer syndrome (CRCS10). Also called: Colorectal cancer 10; COLORECTAL CANCER, SUSCEPTIBILITY TO, ON CHROMOSOME 19q; Colorectal cancer, susceptibility to, 10. Identifiers: Orphanet 220460, MedGen C2675481, MONDO:0012953, OMIM 612591.
Hereditary cancer-predisposing syndrome. Also called: Tumor predisposition; Hereditary Cancer Syndrome; Hereditary neoplastic syndrome; Neoplastic Syndromes, Hereditary. Identifiers: Orphanet 140162, MedGen C0027672, MeSH D009386, MONDO:0015356.

Allele frequency attached by ClinVar (database versions not stated): gnomAD exomes below 0.00001.
gnomAD v4.1: 1 of 1,613,550 alleles (0.000062%); highest among the groups gnomAD compares: Non-Finnish European, 0.000085%; no homozygotes.

Submissions (3):

Ambry Genetics
Classification: Likely benign for Hereditary cancer-predisposing syndrome. Last evaluated: 2025-06-05. Review status: criteria provided, single submitter. Criteria: Ambry Variant Classification Scheme 2023. Collection method: clinical testing. Allele origin: germline.

Myriad Genetics, Inc.
Classification: Benign for POLD1-related polyposis and colorectal cancer syndrome. Last evaluated: 2025-02-06. Review status: criteria provided, single submitter. Criteria: Myriad Autosomal Dominant, Autosomal Recessive and X-Linked Classification Criteria (2023). Collection method: clinical testing. Allele origin: unknown.
Comment: This variant is considered benign. This variant is a silent/synonymous amino acid change and it is not expected to impact splicing.

Labcorp Genetics (formerly Invitae), Labcorp
Classification: Likely benign for POLD1-related polyposis and colorectal cancer syndrome. Last evaluated: 2022-06-22. Review status: criteria provided, single submitter. Criteria: Invitae Variant Classification Sherloc (09022015). Collection method: clinical testing. Allele origin: germline.